The following is an entry in ClinVar:

ClinVar aggregate classification (germline): Likely benign (1 of 4 stars; one submission).

gnomAD v4.1: 11 of 1,613,976 alleles (0.00068%); highest among the groups gnomAD compares: Non-Finnish European, 0.00093%; no homozygotes.

Submission:

CeGaT Center for Human Genetics Tuebingen
Classification: Likely benign. Last evaluated: 2025-08-01. Review status: criteria provided, single submitter. Criteria: CeGaT Center For Human Genetics Tuebingen Variant Classification Criteria Version 2. Collection method: clinical testing. Allele origin: germline. Affected: yes. Observed: 1 variant allele.
Comment: NRCAM: BP4, BP7

NM_001037132.4(NRCAM):c.3822A>C (p.Gly1274=)

Gene: NRCAM (neuronal cell adhesion molecule; minus strand). Cytogenetic location: 7q31.1.
Variant type: single nucleotide variant.
Coding change: c.3822A>C on transcript NM_001037132.4 (MANE Select); coding-DNA position 3822, A replaced by C.
Protein change: p.Gly1274=; no amino-acid change (glycine 1274 retained).
Molecular consequence: synonymous variant. On other transcripts: 3 prime UTR variant (2), non-coding transcript variant (5).
Genome position (GRCh38, 1-based): chr7:108,150,003, T>G on the plus strand (A>C on the coding strand, the complement: NRCAM is on the minus strand). VCF-style: chr7-108150003-T-G. GRCh37 (hg19) VCF-style: chr7-107790448-T-G.
Other names: c.3459A>C, p.Gly1153= (NM_001371141.1, NM_001371151.1, NM_001371171.1 and 3 more transcripts); c.3171A>C, p.Gly1057= (NM_001371142.1); c.3477A>C, p.Gly1159= (NM_001371143.1, NM_001371164.1, NM_001371174.1); c.3543A>C, p.Gly1181= (NM_001371144.1, NM_001371168.1, NM_001193582.2 and 1 more transcripts); c.3612A>C, p.Gly1204= (NM_001371145.1); c.3729A>C, p.Gly1243= (NM_001371146.1); c.3198A>C, p.Gly1066= (NM_001371147.1, NM_001371125.1); c.3189A>C, p.Gly1063= (NM_001371148.1, NM_001371179.1, NM_001371180.1); and 26 more.
Identifiers: ClinVar variation 4084390 (VCV004084390.8).
Genomic context (GRCh38, chr7:108,150,003, plus strand): 5'-AGGTGCCTCTGAGCTTTCGTTTCCTTCAGCCGGCTCTTTCTCTTTCTTACCACTGTATTG[T>G]CCAATAAAGGAGCCATCCTCATTGAACTGGCCATTAACCCCTTCTCCATAGTCAACTAGG-3'
Protein context (NP_001032209.1, residues 1264-1284): GQFNEDGSFI[Gly1274=]QYSGKKEKEP